The following is an entry in ClinVar:

NM_020631.6(PLEKHG5):c.265A>G (p.Thr89Ala)

Gene: PLEKHG5 (pleckstrin homology and RhoGEF domain containing G5; minus strand). Cytogenetic location: 1p36.31.
Variant type: single nucleotide variant.
Coding change: c.265A>G on transcript NM_020631.6 (MANE Select); coding-DNA position 265, A replaced by G.
Protein change: p.Thr89Ala; replaces threonine 89 with alanine.
Molecular consequence: missense variant.
Genome position (GRCh38, 1-based): chr1:6,475,084, T>C on the plus strand (A>G on the coding strand, the complement: PLEKHG5 is on the minus strand). VCF-style: chr1-6475084-T-C. GRCh37 (hg19) VCF-style: chr1-6535144-T-C.
Other names: c.376A>G, p.Thr126Ala (NM_001042663.3, NM_001265592.2); c.265A>G, p.Thr89Ala (NM_001042664.2, NM_001042665.2, NM_001265594.3 and 1 more transcripts); c.472A>G, p.Thr158Ala (NM_001265593.2); short protein forms T126A, T158A, T89A.
Identifiers: ClinVar variation 1421451 (VCV001421451.8), dbSNP rs981552118, ClinGen allele CA17244393.

ClinVar aggregate classification (germline): Uncertain significance. Review status: criteria provided, multiple submitters, no conflicts (2 of 4 stars). 2 submissions from 2 submitters: Uncertain significance (2). Last evaluated 2025-12-22.

Conditions:
Neuronopathy, distal hereditary motor, autosomal recessive 4. Also called: Autosomal recessive lower motor neuron disease with childhood onset; NEUROPATHY, DISTAL HEREDITARY MOTOR, AUTOSOMAL RECESSIVE 4. Identifiers: Orphanet 206580, MedGen C1970211, MONDO:0012608, OMIM 611067.
Charcot-Marie-Tooth disease recessive intermediate C. Also called: CHARCOT-MARIE-TOOTH NEUROPATHY, RECESSIVE INTERMEDIATE C. Identifiers: Orphanet 369867, MedGen C3809309, MONDO:0014154, OMIM 615376.
Inborn genetic diseases. Identifiers: MedGen C0950123, MeSH D030342.

Allele frequency attached by ClinVar (database versions not stated): gnomAD exomes below 0.00001; TOPMed 0.00001.
gnomAD v4.1: 2 of 1,611,954 alleles (0.00012%); highest among the groups gnomAD compares: Non-Finnish European, 0.00017%; no homozygotes.

Submissions (2):

Ambry Genetics
Classification: Uncertain significance for Inborn genetic diseases. Last evaluated: 2025-12-22. Review status: criteria provided, single submitter. Criteria: Ambry Variant Classification Scheme 2023. Collection method: clinical testing. Allele origin: germline.

Labcorp Genetics (formerly Invitae), Labcorp
Classification: Uncertain significance for Neuronopathy, distal hereditary motor, autosomal recessive 4; Charcot-Marie-Tooth disease recessive intermediate C. Last evaluated: 2021-08-27. Review status: criteria provided, single submitter. Criteria: Invitae Variant Classification Sherloc (09022015). Collection method: clinical testing. Allele origin: germline.
Comment: This sequence change replaces threonine with alanine at codon 89 of the PLEKHG5 protein (p.Thr89Ala). The threonine residue is moderately conserved and there is a small physicochemical difference between threonine and alanine. This variant is not present in population databases (ExAC no frequency). This variant has not been reported in the literature in individuals affected with PLEKHG5-related conditions. Algorithms developed to predict the effect of missense changes on protein structure and function output the following: SIFT: "Deleterious"; PolyPhen-2: "Benign"; Align-GVGD: "Class C0". The alanine amino acid residue is found in multiple mammalian species, which suggests that this missense change does not adversely affect protein function. In summary, the available evidence is currently insufficient to determine the role of this variant in disease. Therefore, it has been classified as a Variant of Uncertain Significance.